The following is an entry in ClinVar:

NM_001174089.2(SLC4A11):c.44-91A>G

Gene: SLC4A11 (solute carrier family 4 member 11; minus strand). Cytogenetic location: 20p13.
Variant type: single nucleotide variant.
Coding change: c.44-91A>G on transcript NM_001174089.2 (MANE Select); 91 bases into the intron before coding-DNA position 44, A replaced by G.
Molecular consequence: intron variant. On other transcripts: missense variant (1), initiator codon variant (1), non-coding transcript variant (2).
Genome position (GRCh38, 1-based): chr20:3,237,679, T>C on the plus strand (A>G on the coding strand, the complement: SLC4A11 is on the minus strand). VCF-style: chr20-3237679-T-C. GRCh37 (hg19) VCF-style: chr20-3218325-T-C.
Other names: c.1A>G, p.Met1Val (NM_032034.4); c.-14-91A>G (NM_001400277.1, NM_001400278.1, NM_001400279.1); c.44-91A>G (NM_001363745.2); c.173-91A>G (NM_001400280.1, NM_001174090.2); short protein forms M1V.
Identifiers: ClinVar variation 1705079 (VCV001705079.2), dbSNP rs778053947, ClinGen allele CA9742502.
Genomic context (GRCh38, chr20:3,237,679, plus strand): 5'-CATGGACCAAGCCCTGGACCTCCTGTGTGCACCTGTCTCCCCGCCCCCCGACCTGGCTCA[T>C]TCCTTCGCTCTTCCGAGGGATGCAACCCACGCCACCCTAGGGAGAAAGGGAAGCAGGGGA-3'

ClinVar aggregate classification (germline): Likely pathogenic (1 of 4 stars; one submission).

Conditions:
Corneal dystrophy-perceptive deafness syndrome (CDPD). Also called: HARBOYAN SYNDROME; CORNEAL DYSTROPHY AND SENSORINEURAL DEAFNESS. Identifiers: Orphanet 1490, MedGen C1857572, MONDO:0009015, OMIM 217400.

Allele frequency attached by ClinVar (database versions not stated): ExAC 0.00001.

Submission:

Women's Health and Genetics/Laboratory Corporation of America, LabCorp
Classification: Likely pathogenic for Corneal dystrophy-perceptive deafness syndrome. Last evaluated: 2022-08-11. Review status: criteria provided, single submitter. Criteria: LabCorp Variant Classification Summary - May 2015. Collection method: clinical testing. Allele origin: germline.
Comment: Variant summary: SLC4A11 c.1A>G (p.Met1Val) alters the initiation codon and is predicted to result either in absence of the protein or truncation of the encoded protein due to translation initiation at a downstream codon. An alternative downstream in-frame start codon (Met36) is located in the encoded protein. An activation of this potential downstream translation initiation site would result in a shortened protein missing the first 35 amino acids from the protein sequence. To our knowledge no other pathogenic variants have been reported upstream of this alternate codon. Three of three in-silico tools predict a benign effect of the variant on protein function. The variant allele was found at a frequency of 4e-06 in 251310 control chromosomes (gnomAD). The available data on variant occurrences in the general population are insufficient to allow any conclusion about variant significance. To our knowledge, no occurrence of c.1A>G in individuals affected with Corneal Dystrophy And Perceptive Deafness and no experimental evidence demonstrating its impact on protein function have been reported. No clinical diagnostic laboratories have submitted clinical-significance assessments for this variant to ClinVar after 2014. Based on the evidence outlined above, the variant was classified as likely pathogenic.